The following is an entry in ClinVar:

NM_000166.6(GJB1):c.448A>G (p.Met150Val)

Gene: GJB1 (gap junction protein beta 1; plus strand). Cytogenetic location: Xq13.1.
Variant type: single nucleotide variant.
Coding change: c.448A>G on transcript NM_000166.6 (MANE Select); coding-DNA position 448, A replaced by G.
Protein change: p.Met150Val; replaces methionine 150 with valine.
Molecular consequence: missense variant.
Genome position (GRCh38, 1-based): chrX:71,224,155, A>G. VCF-style: chrX-71224155-A-G. GRCh37 (hg19) VCF-style: chrX-70444005-A-G.
Other names: c.448A>G, p.Met150Val (NM_001097642.3); c.448A>G (NM_000166.5); short protein forms M150V.
Identifiers: ClinVar variation 1702606 (VCV001702606.3), dbSNP rs2147946197, ClinGen allele CA413502522.
Genomic context (GRCh38, chrX:71,224,155, plus strand): 5'-ACACTGTGGTGGACCTATGTCATCAGCGTGGTGTTCCGGCTGTTGTTTGAGGCCGTCTTC[A>G]TGTATGTCTTTTATCTGCTCTACCCTGGCTATGCCATGGTGCGGCTGGTCAAGTGCGACG-3'
Protein context (NP_000157.1, residues 140-160): VFRLLFEAVF[Met150Val]YVFYLLYPGY

ClinVar aggregate classification (germline): Uncertain significance. Review status: criteria provided, multiple submitters, no conflicts (2 of 4 stars). 2 submissions from 2 submitters: Uncertain significance (2). Last evaluated 2025-11-11.

Conditions:
GJB1-related disorder. Also called: GJB1-related disorders; GJB1-related condition.

Submissions (2):

PreventionGenetics, part of Exact Sciences
Classification: Uncertain significance for GJB1-related condition. Last evaluated: 2025-11-11. Review status: criteria provided, single submitter. Criteria: ACMG Guidelines, 2015. Collection method: clinical testing. Allele origin: germline.
Comment: The GJB1 c.448A>G variant is predicted to result in the amino acid substitution p.Met150Val. This variant has been reported in an individual with Charcot-Marie-Tooth disease (Table S2, Vanderver et al. 2020. PubMed ID: 32342562). This variant was also reported in an individual who presented with a CNS syndrome without neuropathy (Record et al. 2023. PubMed ID: 37284795). This variant has not been reported in a large population database (gnomAD), indicating it is rare. At this time, the clinical significance of this variant is uncertain due to the absence of conclusive functional and genetic evidence.

GeneDx
Classification: Uncertain significance. Last evaluated: 2022-02-16. Review status: criteria provided, single submitter. Criteria: GeneDx Variant Classification Process June 2021. Collection method: clinical testing. Allele origin: germline. Affected: yes.
Comment: Not observed at significant frequency in large population cohorts (gnomAD); Missense variants in this gene are often considered pathogenic (HGMD); In silico analysis supports that this missense variant does not alter protein structure/function; This variant is associated with the following publications: (PMID: 32342562)